The following is an entry in ClinVar:

ClinVar aggregate classification (germline): Uncertain significance (1 of 4 stars; one submission).

Submission:

GeneDx
Classification: Uncertain significance. Last evaluated: 2019-08-14. Review status: criteria provided, single submitter. Criteria: GeneDx Variant Classification Process June 2021. Collection method: clinical testing. Allele origin: germline. Affected: yes.
Comment: Not observed in large population cohorts (Lek et al., 2016); In silico analysis, which includes protein predictors and evolutionary conservation, supports a deleterious effect; Has not been previously published as pathogenic or benign to our knowledge; This variant is associated with the following publications: (PMID: 26435059)

NM_006005.3(WFS1):c.2224T>C (p.Cys742Arg)

Gene: WFS1 (wolframin ER transmembrane glycoprotein; plus strand). Cytogenetic location: 4p16.1.
Variant type: single nucleotide variant.
Coding change: c.2224T>C on transcript NM_006005.3 (MANE Select); coding-DNA position 2224, T replaced by C.
Protein change: p.Cys742Arg; replaces cysteine 742 with arginine.
Molecular consequence: missense variant.
Genome position (GRCh38, 1-based): chr4:6,302,019, T>C. VCF-style: chr4-6302019-T-C. GRCh37 (hg19) VCF-style: chr4-6303746-T-C.
Other names: c.2224T>C, p.Cys742Arg (NM_001145853.1); short protein forms C742R.
Identifiers: ClinVar variation 1318800 (VCV001318800.2), dbSNP rs71532865, ClinGen allele CA91796965.